The following is an entry in ClinVar:

NM_000388.4(CASR):c.992G>A (p.Arg331Gln)

Gene: CASR (calcium sensing receptor; plus strand). Cytogenetic location: 3q21.1.
Variant type: single nucleotide variant.
Coding change: c.992G>A on transcript NM_000388.4 (MANE Select); coding-DNA position 992, G replaced by A.
Protein change: p.Arg331Gln; replaces arginine 331 with glutamine.
Molecular consequence: missense variant.
Genome position (GRCh38, 1-based): chr3:122,262,027, G>A. VCF-style: chr3-122262027-G-A. GRCh37 (hg19) VCF-style: chr3-121980874-G-A.
Other names: c.992G>A, p.Arg331Gln (NM_001178065.2); short protein forms R331Q.
Identifiers: ClinVar variation 463963 (VCV000463963.15), dbSNP rs747090029, ClinGen allele CA2569570.

ClinVar aggregate classification (germline): Uncertain significance. Review status: criteria provided, multiple submitters, no conflicts (2 of 4 stars). 4 submissions from 4 submitters: Uncertain significance (4). Last evaluated 2025-11-11.

Conditions:
Familial hypocalciuric hypercalcemia (FHH). Also called: Familial benign hypercalcemia. Identifiers: Orphanet 405, MedGen C1809471, MONDO:0018458.
Autosomal dominant hypocalcemia 1 (HYPOC1). Also called: HYPOCALCEMIA, FAMILIAL. Identifiers: MedGen C3715128, MONDO:0011013, OMIM 601198.
Nephrolithiasis/nephrocalcinosis. Identifiers: MedGen CN580796.

Allele frequency attached by ClinVar (database versions not stated): gnomAD exomes below 0.00001 and 0.00001; ExAC 0.00001.
gnomAD v4.1: 8 of 1,614,170 alleles (0.0005%); highest among the groups gnomAD compares: South Asian, 0.0011%; no homozygotes.

Submissions (4):

Women's Health and Genetics/Laboratory Corporation of America, LabCorp
Classification: Uncertain significance. Last evaluated: 2025-11-11. Review status: criteria provided, single submitter. Criteria: LabCorp Variant Classification Summary - May 2015. Collection method: clinical testing. Allele origin: germline.
Comment: Variant summary: CASR c.992G>A (p.Arg331Gln) results in a conservative amino acid change in the encoded protein sequence. Algorithms developed to predict the effect of missense changes on protein structure and function are either unavailable or do not agree on the potential impact of this missense change. The variant allele was found at a frequency of 4e-06 in 251150 control chromosomes. The available data on variant occurrences in the general population are insufficient to allow any conclusion about variant significance. To our knowledge, no occurrence of c.992G>A in individuals affected with CASR-related conditions and no experimental evidence demonstrating its impact on protein function have been reported. ClinVar contains an entry for this variant (Variation ID: 463963). Based on the evidence outlined above, the variant was classified as uncertain significance.

Labcorp Genetics (formerly Invitae), Labcorp
Classification: Uncertain significance for Familial hypocalciuric hypercalcemia; Autosomal dominant hypocalcemia 1. Last evaluated: 2024-11-11. Review status: criteria provided, single submitter. Criteria: Invitae Variant Classification Sherloc (09022015). Collection method: clinical testing. Allele origin: germline.
Comment: This sequence change replaces arginine, which is basic and polar, with glutamine, which is neutral and polar, at codon 331 of the CASR protein (p.Arg331Gln). The frequency data for this variant in the population databases is considered unreliable, as metrics indicate poor data quality at this position in the gnomAD database. This variant has not been reported in the literature in individuals affected with CASR-related conditions. ClinVar contains an entry for this variant (Variation ID: 463963). An algorithm developed to predict the effect of missense changes on protein structure and function (PolyPhen-2) suggests that this variant is likely to be disruptive. In summary, the available evidence is currently insufficient to determine the role of this variant in disease. Therefore, it has been classified as a Variant of Uncertain Significance.

Ambry Genetics
Classification: Uncertain significance for Nephrolithiasis/nephrocalcinosis. Last evaluated: 2023-08-31. Review status: criteria provided, single submitter. Criteria: Ambry Variant Classification Scheme 2023. Collection method: clinical testing. Allele origin: germline.
Comment: The p.R331Q variant (also known as c.992G>A), located in coding exon 3 of the CASR gene, results from a G to A substitution at nucleotide position 992. The arginine at codon 331 is replaced by glutamine, an amino acid with highly similar properties. This amino acid position is conserved. In addition, the in silico prediction for this alteration is inconclusive. Since supporting evidence is limited at this time, the clinical significance of this alteration remains unclear.

Eurofins Ntd Llc (ga)
Classification: Uncertain significance. Last evaluated: 2018-05-22. Review status: criteria provided, single submitter. Criteria: EGL ClinVar v180209 classification definitions. Collection method: clinical testing. Allele origin: germline. Observed: 1 variant allele, 1 heterozygote.